The following is an entry in ClinVar:

NM_001655.5(ARCN1):c.761T>C (p.Met254Thr)

Gene: ARCN1 (archain 1 coat protein complex I subunit delta; plus strand). Cytogenetic location: 11q23.3.
Variant type: single nucleotide variant.
Coding change: c.761T>C on transcript NM_001655.5 (MANE Select); coding-DNA position 761, T replaced by C.
Protein change: p.Met254Thr; replaces methionine 254 with threonine.
Molecular consequence: missense variant.
Genome position (GRCh38, 1-based): chr11:118,584,587, T>C. VCF-style: chr11-118584587-T-C. GRCh37 (hg19) VCF-style: chr11-118455302-T-C.
Other names: c.497T>C, p.Met166Thr (NM_001142281.2); c.761T>C (NM_001655.4); short protein forms M166T, M254T.
Identifiers: ClinVar variation 1353038 (VCV001353038.7), dbSNP rs782280953, ClinGen allele CA6306127.

ClinVar aggregate classification (germline): Conflicting classifications of pathogenicity. Review status: criteria provided, conflicting classifications (1 of 4 stars). 2 submissions from 2 submitters: Uncertain significance (1); Likely benign (1). Last evaluated 2024-04-20.

Conditions:
Inborn genetic diseases. Identifiers: MedGen C0950123, MeSH D030342.

Allele frequency attached by ClinVar (database versions not stated): gnomAD exomes 0.00001 and 0.00004; ExAC 0.00004; gnomAD 0.00005; TOPMed 0.00006.
gnomAD v4.1: 18 of 1,613,408 alleles (0.0011%); highest among the groups gnomAD compares: African/African-American, 0.011%; no homozygotes.

Submissions (2):

Ambry Genetics
Classification: Likely benign for Inborn genetic diseases. Last evaluated: 2024-04-20. Review status: criteria provided, single submitter. Criteria: Ambry Variant Classification Scheme 2023. Collection method: clinical testing. Allele origin: germline.

Labcorp Genetics (formerly Invitae), Labcorp
Classification: Uncertain significance. Last evaluated: 2022-06-26. Review status: criteria provided, single submitter. Criteria: Invitae Variant Classification Sherloc (09022015). Collection method: clinical testing. Allele origin: germline.
Comment: In summary, the available evidence is currently insufficient to determine the role of this variant in disease. Therefore, it has been classified as a Variant of Uncertain Significance. Algorithms developed to predict the effect of missense changes on protein structure and function output the following: SIFT: "Tolerated"; PolyPhen-2: "Benign"; Align-GVGD: "Class C0". The threonine amino acid residue is found in multiple mammalian species, which suggests that this missense change does not adversely affect protein function. This variant has not been reported in the literature in individuals affected with ARCN1-related conditions. This variant is present in population databases (rs782280953, gnomAD 0.02%). This sequence change replaces methionine, which is neutral and non-polar, with threonine, which is neutral and polar, at codon 254 of the ARCN1 protein (p.Met254Thr).